The following is an entry in ClinVar:

ClinVar aggregate classification (germline): Uncertain significance. Review status: criteria provided, multiple submitters, no conflicts (2 of 4 stars). 3 submissions from 3 submitters: Uncertain significance (3). Last evaluated 2024-11-29.

Conditions:
Inborn genetic diseases. Identifiers: MedGen C0950123, MeSH D030342.

Allele frequency attached by ClinVar (database versions not stated): gnomAD exomes below 0.00001; ExAC 0.00001; gnomAD 0.00011; TOPMed 0.00012; ESP Exome Variant Server 0.00017.
gnomAD v4.1: 18 of 1,613,186 alleles (0.0011%); highest among the groups gnomAD compares: African/African-American, 0.024%; no homozygotes.

Submissions (3):

Labcorp Genetics (formerly Invitae), Labcorp
Classification: Uncertain significance. Last evaluated: 2024-11-29. Review status: criteria provided, single submitter. Criteria: Invitae Variant Classification Sherloc (09022015). Collection method: clinical testing. Allele origin: germline.
Comment: This sequence change replaces aspartic acid, which is acidic and polar, with glycine, which is neutral and non-polar, at codon 591 of the ANKRD26 protein (p.Asp591Gly). This variant is present in population databases (rs372496905, gnomAD 0.01%). This variant has not been reported in the literature in individuals affected with ANKRD26-related conditions. ClinVar contains an entry for this variant (Variation ID: 2506729). An algorithm developed to predict the effect of missense changes on protein structure and function outputs the following: PolyPhen-2: "Benign". The glycine amino acid residue is found in multiple mammalian species, which suggests that this missense change does not adversely affect protein function. In summary, the available evidence is currently insufficient to determine the role of this variant in disease. Therefore, it has been classified as a Variant of Uncertain Significance.

Ambry Genetics
Classification: Uncertain significance for Inborn genetic diseases. Last evaluated: 2024-11-23. Review status: criteria provided, single submitter. Criteria: Ambry Variant Classification Scheme 2023. Collection method: clinical testing. Allele origin: germline.
Comment: The p.D591G variant (also known as c.1772A>G), located in coding exon 17 of the ANKRD26 gene, results from an A to G substitution at nucleotide position 1772. The aspartic acid at codon 591 is replaced by glycine, an amino acid with similar properties. This amino acid position is conserved. In addition, this alteration is predicted to be tolerated by in silico analysis. Based on the available evidence, the clinical significance of this variant remains unclear.

GeneDx
Classification: Uncertain significance. Last evaluated: 2023-10-11. Review status: criteria provided, single submitter. Criteria: GeneDx Variant Classification Process June 2021. Collection method: clinical testing. Allele origin: germline. Affected: yes.
Comment: Not observed at significant frequency in large population cohorts (gnomAD); In silico analysis supports that this missense variant has a deleterious effect on protein structure/function; Has not been previously published as pathogenic or benign to our knowledge

NM_014915.3(ANKRD26):c.1772A>G (p.Asp591Gly)

Gene: ANKRD26 (ankyrin repeat domain containing 26; minus strand). Cytogenetic location: 10p12.1.
Variant type: single nucleotide variant.
Coding change: c.1772A>G on transcript NM_014915.3 (MANE Select); coding-DNA position 1772, A replaced by G.
Protein change: p.Asp591Gly; replaces aspartic acid 591 with glycine.
Molecular consequence: missense variant.
Genome position (GRCh38, 1-based): chr10:27,048,843, T>C on the plus strand (A>G on the coding strand, the complement: ANKRD26 is on the minus strand). VCF-style: chr10-27048843-T-C. GRCh37 (hg19) VCF-style: chr10-27337772-T-C.
Other names: c.1772A>G, p.Asp591Gly (NM_001256053.2); short protein forms D591G.
Identifiers: ClinVar variation 2506729 (VCV002506729.4), dbSNP rs372496905, ClinGen allele CA5448418.